The following is an entry in ClinVar:

ClinVar aggregate classification (germline): Uncertain significance. Review status: criteria provided, multiple submitters, no conflicts (2 of 4 stars). 2 submissions from 2 submitters: Uncertain significance (2). Last evaluated 2025-05-15.

Conditions:
Inborn genetic diseases. Identifiers: MedGen C0950123, MeSH D030342.

gnomAD v4.1: 3 of 1,613,866 alleles (0.00019%); highest among the groups gnomAD compares: Non-Finnish European, 0.00025%; no homozygotes.

Submissions (2):

Labcorp Genetics (formerly Invitae), Labcorp
Classification: Uncertain significance. Last evaluated: 2025-05-15. Review status: criteria provided, single submitter. Criteria: Invitae Variant Classification Sherloc (09022015). Collection method: clinical testing. Allele origin: germline.
Comment: This sequence change replaces glutamine, which is neutral and polar, with glutamic acid, which is acidic and polar, at codon 408 of the MBD4 protein (p.Gln408Glu). This variant is not present in population databases (gnomAD no frequency). This variant has not been reported in the literature in individuals affected with MBD4-related conditions. ClinVar contains an entry for this variant (Variation ID: 3688442). An algorithm developed to predict the effect of missense changes on protein structure and function (PolyPhen-2) suggests that this variant is likely to be disruptive. In summary, the available evidence is currently insufficient to determine the role of this variant in disease. Therefore, it has been classified as a Variant of Uncertain Significance.

Ambry Genetics
Classification: Uncertain significance for Inborn genetic diseases. Last evaluated: 2025-03-15. Review status: criteria provided, single submitter. Criteria: Ambry Variant Classification Scheme 2023. Collection method: clinical testing. Allele origin: germline.
Comment: The p.Q402E variant (also known as c.1204C>G), located in coding exon 4 of the MBD4 gene, results from a C to G substitution at nucleotide position 1204. The glutamine at codon 402 is replaced by glutamic acid, an amino acid with highly similar properties. This amino acid position is conserved. In addition, the in silico prediction for this alteration is inconclusive. Based on the available evidence, the clinical significance of this variant remains unclear.

NM_001276270.2(MBD4):c.1204C>G (p.Gln402Glu)

Gene: MBD4 (methyl-CpG binding domain 4, DNA glycosylase; minus strand). Cytogenetic location: 3q21.3.
Variant type: single nucleotide variant.
Coding change: c.1204C>G on transcript NM_001276270.2 (MANE Select); coding-DNA position 1204, C replaced by G.
Protein change: p.Gln402Glu; replaces glutamine 402 with glutamic acid.
Molecular consequence: missense variant.
Genome position (GRCh38, 1-based): chr3:129,434,116, G>C on the plus strand (C>G on the coding strand, the complement: MBD4 is on the minus strand). VCF-style: chr3-129434116-G-C. GRCh37 (hg19) VCF-style: chr3-129152959-G-C.
Other names: c.1222C>G, p.Gln408Glu (NM_001276271.2, NM_001276272.2, NM_003925.3); c.268C>G, p.Gln90Glu (NM_001276273.2); short protein forms Q402E, Q90E, Q408E.
Identifiers: ClinVar variation 3688442 (VCV003688442.4).